The following is an entry in ClinVar:

ClinVar aggregate classification (germline): Pathogenic (1 of 4 stars; one submission).

Allele frequency attached by ClinVar (database versions not stated): gnomAD exomes below 0.00001.

Submission:

GeneDx
Classification: Pathogenic. Last evaluated: 2022-09-07. Review status: criteria provided, single submitter. Criteria: GeneDx Variant Classification Process June 2021. Collection method: clinical testing. Allele origin: germline. Affected: yes.
Comment: Frameshift variant predicted to result in protein truncation or nonsense-mediated decay in a gene for which loss-of-function is a known mechanism of disease; Not observed at significant frequency in large population cohorts (gnomAD); Has not been previously published as pathogenic or benign to our knowledge

NM_138272.3(MPIG6B):c.30del (p.Leu11fs)

Gene: MPIG6B (megakaryocyte and platelet inhibitory receptor G6b; plus strand). Cytogenetic location: 6p21.33.
Variant type: Deletion.
Coding change: c.30del on transcript NM_138272.3 (MANE Select); coding-DNA position 30, one base deleted (G; older notation c.30delG).
Protein change: p.Leu11fs; shifts the reading frame from leucine 11.
Molecular consequence: frameshift variant.
Genome position (GRCh38, 1-based): chr6:31,723,413, G deleted. VCF-style (leftmost placement, unchanged base first): chr6-31723412-TG-T. GRCh37 (hg19) VCF-style: chr6-31691189-TG-T.
Other names: c.30del, p.Leu11fs (NM_025260.4, NM_138273.3, NM_138274.3 and 2 more transcripts); short protein forms L11fs.
Identifiers: ClinVar variation 1704740 (VCV001704740.2), dbSNP rs2537262217, ClinGen allele CA2578568349.
Genomic context (GRCh38, chr6:31,723,412, plus strand): 5'-CGCTCGCAGCTTCTCCTCACCACATCCTAACCATGGCTGTGTTTCTGCAGCTGCTACCGC[TG>T]CTGCTCTCGAGGGCCCAAGGGAACCCTGGGGGTAAGCGATCCCTGGGAGAGTTGTGATAG-3'